The following is an entry in ClinVar:

NM_004208.4(AIFM1):c.322CAGAAA[1] (p.108QK[1])

Genes: AIFM1 (apoptosis inducing factor mitochondria associated 1; minus strand), RAB33A (RAB33A, member RAS oncogene family; plus strand). Cytogenetic location: Xq26.1.
Variant type: Microsatellite.
Coding change: c.322CAGAAA[1] on transcript NM_004208.4 (MANE Select); one copy of the 6-base unit CAGAAA starting at c.322; the reference has two copies in a row; one copy, 6 bases deleted; also written c.328_333del.
Protein change: p.108QK[1].
Molecular consequence: inframe deletion. On other transcripts: non-coding transcript variant (1).
Genome position (GRCh38, 1-based): chrX:130,149,485-130,149,490, TTTCTG deleted on the plus strand (CAGAAA on the coding strand, the reverse complement: AIFM1 is on the minus strand); deleting any 6 consecutive bases within chrX:130,149,485-130,149,498 gives the same sequence; the position shown is the placement nearest the transcript's 3' end. VCF-style (leftmost placement, unchanged base first): chrX-130149484-TTTTCTG-T. GRCh37 (hg19) VCF-style: chrX-129283459-TTTTCTG-T.
Other names: c.328_333del (NM_004208.3, NM_004208.4); c.322CAGAAA[1], p.108QK[1] (NM_001130847.4); c.310CAGAAA[1], p.104QK[1] (NM_145812.3).
Identifiers: ClinVar variation 1297005 (VCV001297005.6), dbSNP rs2030881306, ClinGen allele CA1137332276.
Genomic context (GRCh38, chrX:130,149,484, plus strand): 5'-CCTTTGTGAGTCTCAAATCATAGCAAGACTTAAGGGAATACTCACCAGATAACGCGGCCT[TTTTCTG>T]TTTCTGTTCTGGTGTCAGCCCTAACCCTGAAATTCTTTCATTGTATCTTTTTTCATCCTC-3'

ClinVar aggregate classification (germline): Uncertain significance. Review status: criteria provided, multiple submitters, no conflicts (2 of 4 stars). 4 submissions from 4 submitters: Uncertain significance (4). Last evaluated 2026-04-01.

Conditions:
Charcot-Marie-Tooth disease X-linked recessive 4 (CMTX4). Also called: CHARCOT-MARIE-TOOTH DISEASE WITH DEAFNESS AND MENTAL RETARDATION; Cowchock syndrome; CHARCOT-MARIE-TOOTH DISEASE, X-LINKED RECESSIVE, 4, WITH OR WITHOUT CEREBELLAR ATAXIA. Identifiers: Orphanet 101078, MedGen C0795910, MONDO:0010689, OMIM 310490.
Charcot-Marie-Tooth Neuropathy X. Identifiers: MedGen CN118851.
Combined oxidative phosphorylation deficiency. Identifiers: MedGen C4540031, MONDO:0000732.

Submissions (4):

CeGaT Center for Human Genetics Tuebingen
Classification: Uncertain significance. Last evaluated: 2026-04-01. Review status: criteria provided, single submitter. Criteria: CeGaT Center For Human Genetics Tuebingen Variant Classification Criteria Version 2. Collection method: clinical testing. Allele origin: germline. Affected: yes. Observed: 1 variant allele.
Comment: AIFM1: PM2, PM4, BS2

GeneDx
Classification: Uncertain significance. Last evaluated: 2026-03-05. Review status: criteria provided, single submitter. Criteria: GeneDx Variant Classification Process June 2021. Collection method: clinical testing. Allele origin: germline.
Comment: Not observed at significant frequency in large population cohorts (gnomAD); In-frame deletion of 2 amino acid(s) in a non-repeat region; In silico analysis suggests that this variant does not alter protein structure/function; Has not been previously published as pathogenic or benign to our knowledge

Labcorp Genetics (formerly Invitae), Labcorp
Classification: Uncertain significance for Charcot-Marie-Tooth Neuropathy X; Combined oxidative phosphorylation deficiency. Last evaluated: 2024-07-22. Review status: criteria provided, single submitter. Criteria: Invitae Variant Classification Sherloc (09022015). Collection method: clinical testing. Allele origin: germline.
Comment: This variant, c.328_333del, results in the deletion of 2 amino acid(s) of the AIFM1 protein (p.Gln110_Lys111del), but otherwise preserves the integrity of the reading frame. This variant is not present in population databases (gnomAD no frequency). This variant has not been reported in the literature in individuals affected with AIFM1-related conditions. Experimental studies and prediction algorithms are not available or were not evaluated, and the functional significance of this variant is currently unknown. In summary, the available evidence is currently insufficient to determine the role of this variant in disease. Therefore, it has been classified as a Variant of Uncertain Significance.

Institute of Human Genetics, University of Leipzig Medical Center
Classification: Uncertain significance for Charcot-Marie-Tooth disease X-linked recessive 4. Last evaluated: 2021-07-15. Review status: criteria provided, single submitter. Criteria: ACMG Guidelines, 2015. Collection method: clinical testing. Allele origin: unknown. Affected: yes.
Comment: This variant was identified as hemizygous.